The following is an entry in ClinVar:

NM_001267550.2(TTN):c.5210A>G (p.Glu1737Gly)

Gene: TTN (titin; minus strand). Cytogenetic location: 2q31.2.
Variant type: single nucleotide variant.
Coding change: c.5210A>G on transcript NM_001267550.2 (MANE Select); coding-DNA position 5210, A replaced by G.
Protein change: p.Glu1737Gly; replaces glutamic acid 1737 with glycine.
Molecular consequence: missense variant.
Genome position (GRCh38, 1-based): chr2:178,776,654, T>C on the plus strand (A>G on the coding strand, the complement: TTN is on the minus strand). VCF-style: chr2-178776654-T-C. GRCh37 (hg19) VCF-style: chr2-179641381-T-C.
Other names: c.5210A>G, p.Glu1737Gly (NM_133379.5, NM_001256850.1, NM_133378.4); c.5072A>G, p.Glu1691Gly (NM_133432.3, NM_133437.4, NM_003319.4); short protein forms E1691G, E1737G.
Identifiers: ClinVar variation 4881941 (VCV004881941.2).

ClinVar aggregate classification (germline): Uncertain significance (1 of 4 stars; one submission).

gnomAD v4.1: 2 of 1,613,996 alleles (0.00012%); highest among the groups gnomAD compares: Admixed American, 0.0017%; no homozygotes.

Submission:

Dasa
Classification: Uncertain significance. Last evaluated: 2024-11-20. Review status: criteria provided, single submitter. Criteria: DASA Assertion Criteria. Collection method: clinical testing. Allele origin: germline.
Comment: NM_001267550.2(TTN):c.5210A>G (p.Glu1737Gly) is a missense variant that results in the substitution of glutamic acid with glycine. This variant is rare in population databases. Computational prediction algorithms are consistent with a deleterious effect. The currently available literature and clinical evidence are not sufficient to establish a definitive association between this variant and the reported condition. Therefore, this variant is classified as a variant of uncertain significance.